The following is an entry in ClinVar:

ClinVar aggregate classification (germline): Uncertain significance (1 of 4 stars; one submission).

Allele frequency attached by ClinVar (database versions not stated): gnomAD exomes below 0.00001.
gnomAD v4.1: 2 of 1,594,400 alleles (0.00013%); highest among the groups gnomAD compares: South Asian, 0.0023%; no homozygotes.

Submission:

Labcorp Genetics (formerly Invitae), Labcorp
Classification: Uncertain significance. Last evaluated: 2022-03-04. Review status: criteria provided, single submitter. Criteria: Invitae Variant Classification Sherloc (09022015). Collection method: clinical testing. Allele origin: germline.
Comment: This sequence change replaces alanine, which is neutral and non-polar, with aspartic acid, which is acidic and polar, at codon 512 of the GPR179 protein (p.Ala512Asp). The frequency data for this variant in the population databases is considered unreliable, as metrics indicate poor data quality at this position in the gnomAD database. This variant has not been reported in the literature in individuals affected with GPR179-related conditions. Algorithms developed to predict the effect of missense changes on protein structure and function are either unavailable or do not agree on the potential impact of this missense change (SIFT: "Deleterious"; PolyPhen-2: "Possibly Damaging"; Align-GVGD: "Class C0"). In summary, the available evidence is currently insufficient to determine the role of this variant in disease. Therefore, it has been classified as a Variant of Uncertain Significance.

NM_001004334.4(GPR179):c.1535C>A (p.Ala512Asp)

Gene: GPR179 (G protein-coupled receptor 179; minus strand). Cytogenetic location: 17q12.
Variant type: single nucleotide variant.
Coding change: c.1535C>A on transcript NM_001004334.4 (MANE Select); coding-DNA position 1535, C replaced by A.
Protein change: p.Ala512Asp; replaces alanine 512 with aspartic acid.
Molecular consequence: missense variant.
Genome position (GRCh38, 1-based): chr17:38,335,143, G>T on the plus strand (C>A on the coding strand, the complement: GPR179 is on the minus strand). VCF-style: chr17-38335143-G-T. GRCh37 (hg19) VCF-style: chr17-36491026-G-T.
Other names: short protein forms A512D.
Identifiers: ClinVar variation 2074015 (VCV002074015.1), dbSNP rs1428599850, ClinGen allele CA398886668.